The following is an entry in ClinVar:

NM_015346.4(ZFYVE26):c.3985G>T (p.Val1329Phe)

Gene: ZFYVE26 (zinc finger FYVE-type containing 26; minus strand). Cytogenetic location: 14q24.1.
Variant type: single nucleotide variant.
Coding change: c.3985G>T on transcript NM_015346.4 (MANE Select); coding-DNA position 3985, G replaced by T.
Protein change: p.Val1329Phe; replaces valine 1329 with phenylalanine.
Molecular consequence: missense variant.
Genome position (GRCh38, 1-based): chr14:67,783,167, C>A on the plus strand (G>T on the coding strand, the complement: ZFYVE26 is on the minus strand). VCF-style: chr14-67783167-C-A. GRCh37 (hg19) VCF-style: chr14-68249884-C-A.
Other names: short protein forms V1329F.
Identifiers: ClinVar variation 1410358 (VCV001410358.7), dbSNP rs758842694, ClinGen allele CA390171083.

ClinVar aggregate classification (germline): Uncertain significance (1 of 4 stars; one submission).

Conditions:
Spastic paraplegia. Identifiers: MedGen C0037772, HP:0001258.

gnomAD v4.1: 2 of 1,609,116 alleles (0.00012%); highest among the groups gnomAD compares: Non-Finnish European, 0.00017%; no homozygotes.

Submission:

Labcorp Genetics (formerly Invitae), Labcorp
Classification: Uncertain significance for Spastic paraplegia. Last evaluated: 2024-05-22. Review status: criteria provided, single submitter. Criteria: Invitae Variant Classification Sherloc (09022015). Collection method: clinical testing. Allele origin: germline.
Comment: This sequence change replaces valine, which is neutral and non-polar, with phenylalanine, which is neutral and non-polar, at codon 1329 of the ZFYVE26 protein (p.Val1329Phe). The frequency data for this variant in the population databases is considered unreliable, as metrics indicate poor data quality at this position in the gnomAD database. This variant has not been reported in the literature in individuals affected with ZFYVE26-related conditions. ClinVar contains an entry for this variant (Variation ID: 1410358). An algorithm developed to predict the effect of missense changes on protein structure and function (PolyPhen-2) suggests that this variant is likely to be tolerated. In summary, the available evidence is currently insufficient to determine the role of this variant in disease. Therefore, it has been classified as a Variant of Uncertain Significance.